The following is an entry in ClinVar:

ClinVar aggregate classification (germline): Uncertain significance (1 of 4 stars; one submission).

Submission:

Labcorp Genetics (formerly Invitae), Labcorp
Classification: Uncertain significance. Last evaluated: 2022-06-27. Review status: criteria provided, single submitter. Criteria: Invitae Variant Classification Sherloc (09022015). Collection method: clinical testing. Allele origin: germline.
Comment: This variant has not been reported in the literature in individuals affected with IFT52-related conditions. Algorithms developed to predict the effect of sequence changes on RNA splicing suggest that this variant may create or strengthen a splice site. This variant is not present in population databases (gnomAD no frequency). In summary, the available evidence is currently insufficient to determine the role of this variant in disease. Therefore, it has been classified as a Variant of Uncertain Significance. This variant, c.1178_1179insGGT, results in the insertion of 1 amino acid(s) of the IFT52 protein (p.Thr393_Ser394insVal), but otherwise preserves the integrity of the reading frame.

NM_016004.5(IFT52):c.1178_1179insGGT (p.Thr393_Ser394insVal)

Gene: IFT52 (intraflagellar transport 52; plus strand). Cytogenetic location: 20q13.12.
Variant type: Insertion.
Coding change: c.1178_1179insGGT on transcript NM_016004.5 (MANE Select); coding-DNA positions 1178 to 1179, GGT inserted.
Protein change: p.Thr393_Ser394insVal.
Molecular consequence: inframe insertion. On other transcripts: intron variant (1).
Genome position: GRCh38 VCF-style: chr20-43642536-C-CGGT. GRCh37 (hg19) VCF-style: chr20-42271176-C-CGGT.
Other names: c.1178_1179insGGT, p.Thr393_Ser394insVal (NM_001303458.3); c.650_651insGGT, p.Thr217_Ser218insVal (NM_001323578.2, NM_001323580.2); c.527_528insGGT, p.Thr176_Ser177insVal (NM_001323579.2, NM_001323581.2); c.1121-4400_1121-4399insGGT (NM_001303459.3).
Identifiers: ClinVar variation 1479921 (VCV001479921.6), dbSNP rs2145681227, ClinGen allele CA2573157090.